The following is an entry in ClinVar:

ClinVar aggregate classification (germline): Uncertain significance. Review status: criteria provided, multiple submitters, no conflicts (2 of 4 stars). 2 submissions from 2 submitters: Uncertain significance (2). Last evaluated 2025-11-25.

Submissions (2):

Labcorp Genetics (formerly Invitae), Labcorp
Classification: Uncertain significance. Last evaluated: 2025-11-25. Review status: criteria provided, single submitter. Criteria: Invitae Variant Classification Sherloc (09022015). Collection method: clinical testing. Allele origin: germline.
Comment: This sequence change replaces threonine, which is neutral and polar, with isoleucine, which is neutral and non-polar, at codon 451 of the SPPL2A protein (p.Thr451Ile). This variant is present in population databases (rs746888742, gnomAD 0.002%). This variant has not been reported in the literature in individuals affected with SPPL2A-related conditions. ClinVar contains an entry for this variant (Variation ID: 2366297). An algorithm developed to predict the effect of missense changes on protein structure and function (PolyPhen-2) suggests that this variant is likely to be disruptive. In summary, the available evidence is currently insufficient to determine the role of this variant in disease. Therefore, it has been classified as a Variant of Uncertain Significance.

Ambry Genetics
Classification: Uncertain significance. Last evaluated: 2022-12-01. Review status: criteria provided, single submitter. Criteria: Ambry Variant Classification Scheme 2023. Collection method: clinical testing. Allele origin: germline.

NM_032802.4(SPPL2A):c.1352C>T (p.Thr451Ile)

Gene: SPPL2A (signal peptide peptidase like 2A; minus strand). Cytogenetic location: 15q21.2.
Variant type: single nucleotide variant.
Coding change: c.1352C>T on transcript NM_032802.4 (MANE Select); coding-DNA position 1352, C replaced by T.
Protein change: p.Thr451Ile; replaces threonine 451 with isoleucine.
Molecular consequence: missense variant.
Genome position (GRCh38, 1-based): chr15:50,720,076, G>A on the plus strand (C>T on the coding strand, the complement: SPPL2A is on the minus strand). VCF-style: chr15-50720076-G-A. GRCh37 (hg19) VCF-style: chr15-51012273-G-A.
Other names: short protein forms T451I.
Identifiers: ClinVar variation 2366297 (VCV002366297.4), dbSNP rs746888742, ClinGen allele CA7558207.
Genomic context (GRCh38, chr15:50,720,076, plus strand): 5'-CAAGGTACTAAATAGAGGAGAGCAGGTTGCCCCTTTTTCATCAGCACCAGAACAACAAAT[G>A]TAAGTATCATGCCAATAGCATAGGCTGCAAGAAGAATACCAAGCTATAAGTCATTTCTAC-3'
Protein context (NP_116191.2, residues 441-461): TVAYAIGMIL[Thr451Ile]FVVLVLMKKG